The following is an entry in ClinVar:

NM_002582.4(PARN):c.657G>C (p.Trp219Cys)

Gene: PARN (poly(A)-specific ribonuclease; minus strand). Cytogenetic location: 16p13.12.
Variant type: single nucleotide variant.
Coding change: c.657G>C on transcript NM_002582.4 (MANE Select); coding-DNA position 657, G replaced by C.
Protein change: p.Trp219Cys; replaces tryptophan 219 with cysteine.
Molecular consequence: missense variant.
Genome position (GRCh38, 1-based): chr16:14,608,283, C>G on the plus strand (G>C on the coding strand, the complement: PARN is on the minus strand). VCF-style: chr16-14608283-C-G. GRCh37 (hg19) VCF-style: chr16-14702140-C-G.
Other names: c.474G>C, p.Trp158Cys (NM_001134477.3); c.519G>C, p.Trp173Cys (NM_001242992.2); short protein forms W158C, W173C, W219C.
Identifiers: ClinVar variation 3903135 (VCV003903135.1).

ClinVar aggregate classification (germline): Uncertain significance (1 of 4 stars; one submission).

Submission:

GeneDx
Classification: Uncertain significance. Last evaluated: 2024-12-14. Review status: criteria provided, single submitter. Criteria: GeneDx Variant Classification Process June 2021. Collection method: clinical testing. Allele origin: germline. Affected: yes.
Comment: Not observed at significant frequency in large population cohorts (gnomAD); In silico analysis indicates that this missense variant does not alter protein structure/function; Has not been previously published as pathogenic or benign to our knowledge